The following is an entry in ClinVar:

NM_178170.3(NEK8):c.889+1G>T

Gene: NEK8 (NIMA related kinase 8; plus strand). Cytogenetic location: 17q11.2.
Variant type: single nucleotide variant.
Coding change: c.889+1G>T on transcript NM_178170.3 (MANE Select); the canonical splice donor site of the intron after coding-DNA position 889, G replaced by T.
Molecular consequence: splice donor variant.
Genome position (GRCh38, 1-based): chr17:28,737,737, G>T. VCF-style: chr17-28737737-G-T. GRCh37 (hg19) VCF-style: chr17-27064755-G-T.
Identifiers: ClinVar variation 539140 (VCV000539140.9), dbSNP rs780247729, ClinGen allele CA8467229.

ClinVar aggregate classification (germline): Likely pathogenic. Review status: criteria provided, multiple submitters, no conflicts (2 of 4 stars). 3 submissions from 3 submitters: Likely pathogenic (3). Last evaluated 2026-07-06.

Conditions:
Nephronophthisis 9 (NPHP9). Identifiers: Orphanet 655, MedGen C3151188, MONDO:0013444, OMIM 613824.
Polycystic kidney disease 8. Identifiers: MedGen C5935640, MONDO:0971178, OMIM 620903.
Renal-hepatic-pancreatic dysplasia 2 (RHPD2). Identifiers: MedGen C3809434, MONDO:0014174, OMIM 615415.
NEK8-related disorder. Also called: NEK8-related condition.

Allele frequency attached by ClinVar (database versions not stated): gnomAD exomes below 0.00001; ExAC 0.00001; gnomAD 0.00002 and 0.00003; TOPMed 0.00002.
gnomAD v4.1: 23 of 1,614,034 alleles (0.0014%); highest among the groups gnomAD compares: Non-Finnish European, 0.0018%; no homozygotes.

Submissions (3):

PreventionGenetics, part of Exact Sciences
Classification: Likely pathogenic for NEK8-related condition. Last evaluated: 2026-07-06. Review status: criteria provided, single submitter. Criteria: ACMG Guidelines, 2015. Collection method: clinical testing. Allele origin: germline.
Comment: The NEK8 c.889+1G>T variant is predicted to disrupt the GT donor site and interfere with normal splicing. To our knowledge, this variant has not been reported in the literature. This variant is reported in 0.0016% of alleles in individuals of European (Non-Finnish) descent in gnomAD. Variants that disrupt the consensus splice donor site in NEK8 are expected to be pathogenic. This variant is interpreted as likely pathogenic.

Fulgent Genetics
Classification: Likely pathogenic for Nephronophthisis 9; Renal-hepatic-pancreatic dysplasia 2; Polycystic kidney disease 8. Last evaluated: 2024-06-01. Review status: criteria provided, single submitter. Criteria: ACMG Guidelines, 2015. Collection method: clinical testing. Allele origin: germline.

Labcorp Genetics (formerly Invitae), Labcorp
Classification: Likely pathogenic for Nephronophthisis 9. Last evaluated: 2024-02-24. Review status: criteria provided, single submitter. Criteria: Invitae Variant Classification Sherloc (09022015). Collection method: clinical testing. Allele origin: germline.
Comment: This sequence change affects a donor splice site in intron 6 of the NEK8 gene. It is expected to disrupt RNA splicing. Variants that disrupt the donor or acceptor splice site typically lead to a loss of protein function (PMID: 16199547), and loss-of-function variants in NEK8 are known to be pathogenic (PMID: 23418306, 26967905). This variant is present in population databases (rs780247729, gnomAD 0.002%). This variant has not been reported in the literature in individuals affected with NEK8-related conditions. ClinVar contains an entry for this variant (Variation ID: 539140). Algorithms developed to predict the effect of sequence changes on RNA splicing suggest that this variant may disrupt the consensus splice site. In summary, the currently available evidence indicates that the variant is pathogenic, but additional data are needed to prove that conclusively. Therefore, this variant has been classified as Likely Pathogenic.

Literature cited by the submitters: PubMed 16199547 (cited by Labcorp Genetics (formerly Invitae), Labcorp); PubMed 23418306 (cited by Labcorp Genetics (formerly Invitae), Labcorp); PubMed 26967905 (cited by Labcorp Genetics (formerly Invitae), Labcorp).